The following is an entry in ClinVar:

NM_173630.4(RTTN):c.602C>T (p.Thr201Ile)

Gene: RTTN (rotatin; minus strand). Cytogenetic location: 18q22.2.
Variant type: single nucleotide variant.
Coding change: c.602C>T on transcript NM_173630.4 (MANE Select); coding-DNA position 602, C replaced by T.
Protein change: p.Thr201Ile; replaces threonine 201 with isoleucine.
Molecular consequence: missense variant. On other transcripts: 5 prime UTR variant (1).
Genome position (GRCh38, 1-based): chr18:70,197,715, G>A on the plus strand (C>T on the coding strand, the complement: RTTN is on the minus strand). VCF-style: chr18-70197715-G-A. GRCh37 (hg19) VCF-style: chr18-67864951-G-A.
Other names: c.-1952C>T (NM_001318520.2); short protein forms T201I.
Identifiers: ClinVar variation 1803560 (VCV001803560.3), dbSNP rs745694921, ClinGen allele CA8996424.

ClinVar aggregate classification (germline): Uncertain significance. Review status: criteria provided, multiple submitters, no conflicts (2 of 4 stars). 2 submissions from 2 submitters: Uncertain significance (2). Last evaluated 2022-08-17.

Allele frequency attached by ClinVar (database versions not stated): gnomAD 0.00001; gnomAD exomes 0.00001; TOPMed 0.00001; ExAC 0.00002.

Submissions (2):

Labcorp Genetics (formerly Invitae), Labcorp
Classification: Uncertain significance. Last evaluated: 2022-08-17. Review status: criteria provided, single submitter. Criteria: Invitae Variant Classification Sherloc (09022015). Collection method: clinical testing. Allele origin: germline.
Comment: This sequence change replaces threonine, which is neutral and polar, with isoleucine, which is neutral and non-polar, at codon 201 of the RTTN protein (p.Thr201Ile). This variant is present in population databases (rs745694921, gnomAD 0.03%). This variant has not been reported in the literature in individuals affected with RTTN-related conditions. Algorithms developed to predict the effect of missense changes on protein structure and function are either unavailable or do not agree on the potential impact of this missense change (SIFT: "Deleterious"; PolyPhen-2: "Possibly Damaging"; Align-GVGD: "Class C0"). In summary, the available evidence is currently insufficient to determine the role of this variant in disease. Therefore, it has been classified as a Variant of Uncertain Significance.

GeneDx
Classification: Uncertain significance. Last evaluated: 2022-06-09. Review status: criteria provided, single submitter. Criteria: GeneDx Variant Classification Process June 2021. Collection method: clinical testing. Allele origin: germline. Affected: yes.
Comment: In silico analysis supports that this missense variant does not alter protein structure/function; Has not been previously published as pathogenic or benign to our knowledge